The following is an entry in ClinVar:

ClinVar aggregate classification (germline): Likely benign. Review status: criteria provided, multiple submitters, no conflicts (2 of 4 stars). 3 submissions from 3 submitters: Likely benign (2). 1 of the submissions does not count toward it. Last evaluated 2025-11-01.

Conditions:
DNMT3A-related disorder. Also called: DNMT3A-related disorders; DNMT3A-related condition.

gnomAD v4.1: 1 of 1,613,034 alleles (0.000062%); highest among the groups gnomAD compares: Non-Finnish European, 0.000085%; no homozygotes.

Submissions (3):

CeGaT Center for Human Genetics Tuebingen
Classification: Likely benign. Last evaluated: 2025-11-01. Review status: criteria provided, single submitter. Criteria: CeGaT Center For Human Genetics Tuebingen Variant Classification Criteria Version 2. Collection method: clinical testing. Allele origin: germline. Affected: yes. Observed: 1 variant allele.
Comment: DNMT3A: BP4, BP7

Blueprint Genetics
Classification: Likely benign. Last evaluated: 2019-11-14. Review status: criteria provided, single submitter. Criteria: ACMG Guidelines, 2015. Collection method: clinical testing. Allele origin: germline.

PreventionGenetics, part of Exact Sciences
Classification: Likely benign for DNMT3A-related condition. Last evaluated: 2023-02-07. Review status: no assertion criteria provided. Collection method: clinical testing. Allele origin: germline. Not counted in ClinVar's aggregate classification.
Comment: This variant is classified as likely benign based on ACMG/AMP sequence variant interpretation guidelines (Richards et al. 2015 PMID: 25741868, with internal and published modifications).

NM_022552.5(DNMT3A):c.417C>T (p.Pro139=)

Gene: DNMT3A (DNA methyltransferase 3 alpha; minus strand). Cytogenetic location: 2p23.3.
Variant type: single nucleotide variant.
Coding change: c.417C>T on transcript NM_022552.5 (MANE Select); coding-DNA position 417, C replaced by T.
Protein change: p.Pro139=; no amino-acid change (proline 139 retained).
Molecular consequence: synonymous variant. On other transcripts: non-coding transcript variant (1).
Genome position (GRCh38, 1-based): chr2:25,282,472, G>A on the plus strand (C>T on the coding strand, the complement: DNMT3A is on the minus strand). VCF-style: chr2-25282472-G-A. GRCh37 (hg19) VCF-style: chr2-25505341-G-A.
Other names: c.417C>T, p.Pro139= (NM_001320892.2, NM_175629.2, NM_175630.1).
Identifiers: ClinVar variation 3356861 (VCV003356861.8).
Genomic context (GRCh38, chr2:25,282,472, plus strand): 5'-AGAGGCTGCCCCTGGTGCTGAGGACTCACCCGCTTCTGCAGGGGCTCCTCGGCCCTCCTT[G>A]GGGGTGCAGCAGCCATTTTCCACTGCTCTTGAGGCTTCAGGCAGGGTCTCAGCTGCACCC-3'
Protein context (NP_072046.2, residues 129-149): SRAVENGCCT[Pro139=]KEGRGAPAEA